The following is an entry in ClinVar:

NM_001199138.2(NLRC4):c.730C>T (p.Leu244Phe)

Gene: NLRC4 (NLR family CARD domain containing 4; minus strand). Cytogenetic location: 2p22.3.
Variant type: single nucleotide variant.
Coding change: c.730C>T on transcript NM_001199138.2 (MANE Select); coding-DNA position 730, C replaced by T.
Protein change: p.Leu244Phe; replaces leucine 244 with phenylalanine.
Molecular consequence: missense variant. On other transcripts: intron variant (1).
Genome position (GRCh38, 1-based): chr2:32,251,134, G>A on the plus strand (C>T on the coding strand, the complement: NLRC4 is on the minus strand). VCF-style: chr2-32251134-G-A. GRCh37 (hg19) VCF-style: chr2-32476203-G-A.
Other names: c.730C>T, p.Leu244Phe (NM_001199139.2, NM_021209.5); c.262+1285C>T (NM_001302504.1); short protein forms L244F.
Identifiers: ClinVar variation 3757190 (VCV003757190.2).

ClinVar aggregate classification (germline): Uncertain significance (1 of 4 stars; one submission).

Conditions:
Periodic fever-infantile enterocolitis-autoinflammatory syndrome. Also called: Autoinflammation with infantile enterocolitis. Identifiers: Orphanet 436166, MedGen C4015067, MONDO:0014472, OMIM 616050.
Familial cold autoinflammatory syndrome 4 (FCAS4). Identifiers: Orphanet 47045, Orphanet 576349, MedGen C4015276, MONDO:0014498, OMIM 616115.

Submission:

Labcorp Genetics (formerly Invitae), Labcorp
Classification: Uncertain significance for Periodic fever-infantile enterocolitis-autoinflammatory syndrome; Familial cold autoinflammatory syndrome 4. Last evaluated: 2025-07-27. Review status: criteria provided, single submitter. Criteria: Invitae Variant Classification Sherloc (09022015). Collection method: clinical testing. Allele origin: germline.
Comment: This sequence change replaces leucine, which is neutral and non-polar, with phenylalanine, which is neutral and non-polar, at codon 244 of the NLRC4 protein (p.Leu244Phe). This variant is not present in population databases (gnomAD no frequency). This variant has not been reported in the literature in individuals affected with NLRC4-related conditions. ClinVar contains an entry for this variant (Variation ID: 3757190). Invitae Evidence Modeling of protein sequence and biophysical properties (such as structural, functional, and spatial information, amino acid conservation, physicochemical variation, residue mobility, and thermodynamic stability) indicates that this missense variant is expected to disrupt NLRC4 protein function with a positive predictive value of 80%. In summary, the available evidence is currently insufficient to determine the role of this variant in disease. Therefore, it has been classified as a Variant of Uncertain Significance.